The following is an entry in ClinVar:

ClinVar aggregate classification (germline): Pathogenic. Review status: criteria provided, multiple submitters, no conflicts (2 of 4 stars). 3 submissions from 3 submitters: Pathogenic (3). Last evaluated 2026-06-24.

Conditions:
X-linked Alport syndrome (ATS1). Also called: NEPHROPATHY AND DEAFNESS, X-LINKED; COL4A5-Related Nephropathy. Identifiers: Orphanet 63, Orphanet 88917, MedGen C4746986, MONDO:0010520, OMIM 301050.

Submissions (3):

Centre de Génétique Humaine, Institut de Pathologie Et de Génétique
Classification: Pathogenic for X-linked Alport syndrome. Last evaluated: 2026-06-24. Review status: criteria provided, single submitter. Criteria: ACMG Guidelines, 2015. Collection method: clinical testing. Allele origin: maternal, germline. Inheritance: X-linked dominant inheritance. Affected: yes. Observed: 13 variant alleles, 6 heterozygotes, 1 homozygote, 6 hemizygotes. Clinical features observed: Microscopic hematuria (HP:0002907), Severe albuminuria (HP:0033066), Moderate albuminuria (HP:0012594), Hypertensive disorder (HP:0000822), Stage 4 chronic kidney disease (HP:0012626), Stage 3 chronic kidney disease (HP:0012625), Sensorineural hearing loss disorder (HP:0000407), Stage 5 chronic kidney disease (HP:0003774), Focal segmental glomerulosclerosis (HP:0000097), Proteinuria (HP:0000093), Stage 2 chronic kidney disease (HP:0012624). Segregation with disease observed.
Comment: This missense variant involves a highly conserved glycine located in a ‘Gly-X-Y’ motif in collagenous region, which is characteristic of the pathogenic variants identified in the COL4A5 gene (PM1,PP2). This variant is rare: absent in gnomAD v4.1.0 database (PM2). Three other missense variants affecting the same residue described as LP/P:c.1672G>C, p.Gly558Arg, PMID: 11223851; c.1672G>A, p.Gly558Ser, PMID: 35020912; c.1673G>T, p.Gly558Val, PMID: 35020912 (PM5). In silico analysis supports that this missense variant has a deleterious effect (PP3). Cosegragation over three generations in a family analysed in our lab (PP1). Described as P in ClinVar and in patiens with X-linked AS (PP5)

Labcorp Genetics (formerly Invitae), Labcorp
Classification: Pathogenic. Last evaluated: 2025-08-04. Review status: criteria provided, single submitter. Criteria: Invitae Variant Classification Sherloc (09022015). Collection method: clinical testing. Allele origin: germline.
Comment: This sequence change replaces glycine, which is neutral and non-polar, with aspartic acid, which is acidic and polar, at codon 558 of the COL4A5 protein (p.Gly558Asp). This variant is not present in population databases (gnomAD no frequency). This missense change has been observed in individuals with Alport syndrome (PMID: 20378821; internal data). ClinVar contains an entry for this variant (Variation ID: 807571). Invitae Evidence Modeling of protein sequence and biophysical properties (such as structural, functional, and spatial information, amino acid conservation, physicochemical variation, residue mobility, and thermodynamic stability) indicates that this missense variant is expected to disrupt COL4A5 protein function with a positive predictive value of 95%. This variant disrupts the triple helix domain of COL4A5. Glycine residues within the Gly-Xaa-Yaa repeats of the triple helix domain are required for the structure and stability of fibrillar collagens (PMID: 7695699, 8218237, 19344236). In COL4A5, missense variants at these glycine residues are significantly enriched in individuals with disease (PMID: 23720012, 27627812) compared to the general population (ExAC). This variant disrupts the p.Gly558 amino acid residue in COL4A5. Other variant(s) that disrupt this residue have been observed in individuals with COL4A5-related conditions (PMID: 11223851), which suggests that this may be a clinically significant amino acid residue. For these reasons, this variant has been classified as Pathogenic.

Institute of Human Genetics Munich, TUM University Hospital
Classification: Pathogenic for X-linked Alport syndrome. Last evaluated: 2018-03-16. Review status: criteria provided, single submitter. Criteria: Classification criteria August 2017. Collection method: clinical testing. Allele origin: germline. Inheritance: X-linked inheritance. Affected: yes. Observed: 1 heterozygote.

Literature cited by the submitters: PubMed 20378821 (cited by Centre de Génétique Humaine, Institut de Pathologie Et de Génétique and Labcorp Genetics (formerly Invitae), Labcorp); PubMed 36117978 (cited by Centre de Génétique Humaine, Institut de Pathologie Et de Génétique); PubMed 36341250 (cited by Centre de Génétique Humaine, Institut de Pathologie Et de Génétique); PubMed 7695699 (cited by Labcorp Genetics (formerly Invitae), Labcorp); PubMed 8218237 (cited by Labcorp Genetics (formerly Invitae), Labcorp); PubMed 19344236 (cited by Labcorp Genetics (formerly Invitae), Labcorp); PubMed 23720012 (cited by Labcorp Genetics (formerly Invitae), Labcorp); PubMed 27627812 (cited by Labcorp Genetics (formerly Invitae), Labcorp); PubMed 11223851 (cited by Labcorp Genetics (formerly Invitae), Labcorp).

NM_033380.3(COL4A5):c.1673G>A (p.Gly558Asp)

Gene: COL4A5 (collagen type IV alpha 5 chain; plus strand). Cytogenetic location: Xq22.3.
Variant type: single nucleotide variant.
Coding change: c.1673G>A on transcript NM_033380.3 (MANE Select); coding-DNA position 1673, G replaced by A.
Protein change: p.Gly558Asp; replaces glycine 558 with aspartic acid.
Molecular consequence: missense variant.
Genome position (GRCh38, 1-based): chrX:108,597,462, G>A. VCF-style: chrX-108597462-G-A. GRCh37 (hg19) VCF-style: chrX-107840692-G-A.
Other names: p.(Gly558Asp); c.1673G>A, p.Gly558Asp (NM_000495.5); short protein forms G558D.
Identifiers: ClinVar variation 807571 (VCV000807571.9), dbSNP rs1603290148, ClinGen allele CA413845372.